The following is an entry in ClinVar:

NM_000384.3(APOB):c.9347G>A (p.Gly3116Glu)

Gene: APOB (apolipoprotein B; minus strand). Cytogenetic location: 2p24.1.
Variant type: single nucleotide variant.
Coding change: c.9347G>A on transcript NM_000384.3 (MANE Select); coding-DNA position 9347, G replaced by A.
Protein change: p.Gly3116Glu; replaces glycine 3116 with glutamic acid.
Molecular consequence: missense variant.
Genome position (GRCh38, 1-based): chr2:21,007,521, C>T on the plus strand (G>A on the coding strand, the complement: APOB is on the minus strand). VCF-style: chr2-21007521-C-T. GRCh37 (hg19) VCF-style: chr2-21230393-C-T.
Other names: short protein forms G3116E.
Identifiers: ClinVar variation 4890885 (VCV004890885.1).

ClinVar aggregate classification (germline): Uncertain significance (1 of 4 stars; one submission).

Conditions:
Familial hypercholesterolemia. Also called: Familial hypercholesterolaemia; Familial hypercholesterolemias. Identifiers: MedGen C0020445, MONDO:0005439.

gnomAD v4.1: 2 of 1,614,044 alleles (0.00012%); highest among the groups gnomAD compares: Non-Finnish European, 0.00017%; no homozygotes.

Submission:

Cambridge Genomics Laboratory, East Genomic Laboratory Hub, NHS Genomic Medicine Service
Classification: Uncertain significance for Familial hypercholesterolaemia. Last evaluated: 2026-08-24. Review status: criteria provided, single submitter. Criteria: ACGS Best Practice Guidelines for Variant Classification in Rare Disease 2020. Collection method: clinical testing. Allele origin: germline. Affected: yes.
Comment: PM2_Supporting